The following is an entry in ClinVar:

ClinVar aggregate classification (germline): Likely benign (0 of 4 stars; one submission).

Conditions:
MYO18B-related disorder. Also called: MYO18B-related condition.

Allele frequency attached by ClinVar (database versions not stated): TOPMed below 0.00001; gnomAD exomes 0.00001.
gnomAD v4.1: 4 of 1,554,152 alleles (0.00026%); highest among the groups gnomAD compares: Non-Finnish European, 0.00035%; no homozygotes.

Submission:

PreventionGenetics, part of Exact Sciences
Classification: Likely benign for MYO18B-related condition. Last evaluated: 2019-03-21. Review status: no assertion criteria provided. Collection method: clinical testing. Allele origin: germline.
Comment: This variant is classified as likely benign based on ACMG/AMP sequence variant interpretation guidelines (Richards et al. 2015 PMID: 25741868, with internal and published modifications).

NM_032608.7(MYO18B):c.3774A>G (p.Thr1258=)

Gene: MYO18B (myosin XVIIIB; plus strand). Cytogenetic location: 22q12.1.
Variant type: single nucleotide variant.
Coding change: c.3774A>G on transcript NM_032608.7 (MANE Select); coding-DNA position 3774, A replaced by G.
Protein change: p.Thr1258=; no amino-acid change (threonine 1258 retained).
Molecular consequence: synonymous variant.
Genome position (GRCh38, 1-based): chr22:25,847,651, A>G. VCF-style: chr22-25847651-A-G. GRCh37 (hg19) VCF-style: chr22-26243618-A-G.
Other names: c.3777A>G, p.Thr1259= (NM_001318245.2).
Identifiers: ClinVar variation 3047731 (VCV003047731.2), dbSNP rs1233441758, ClinGen allele CA513905253.